The following is an entry in ClinVar:

ClinVar aggregate classification (germline): Likely pathogenic (1 of 4 stars; one submission).

Conditions:
Myasthenic syndrome, congenital, 22 (CMS22). Also called: PREPL DEFICIENCY. Identifiers: MedGen C4479088, MONDO:0044299, OMIM 616224.

Submission:

Baylor Genetics
Classification: Likely pathogenic for Myasthenic syndrome, congenital, 22. Last evaluated: 2019-11-15. Review status: criteria provided, single submitter. Criteria: ACMG Guidelines, 2015. Collection method: clinical testing. Allele origin: unknown. Affected: yes.
Comment: This variant was determined to be likely pathogenic according to ACMG Guidelines, 2015 [PMID:25741868].

NM_001171613.2(PREPL):c.1553G>A (p.Trp518Ter)

Gene: PREPL (prolyl endopeptidase like; minus strand). Cytogenetic location: 2p21.
Variant type: single nucleotide variant.
Coding change: c.1553G>A on transcript NM_001171613.2 (MANE Select); coding-DNA position 1553, G replaced by A.
Protein change: p.Trp518Ter; replaces tryptophan 518 with a stop codon.
Molecular consequence: nonsense.
Genome position (GRCh38, 1-based): chr2:44,323,338, C>T on the plus strand (G>A on the coding strand, the complement: PREPL is on the minus strand). VCF-style: chr2-44323338-C-T. GRCh37 (hg19) VCF-style: chr2-44550477-C-T.
Other names: c.1634G>A, p.Trp545Ter (NM_001042385.2); c.1622G>A, p.Trp541Ter (NM_001042386.2); c.1820G>A, p.Trp607Ter (NM_001171603.1, NM_001171606.2, NM_001374275.1 and 2 more transcripts); c.1553G>A, p.Trp518Ter (NM_001171617.1, NM_001374277.1); short protein forms W541*, W545*, W518*, W607*.
Identifiers: ClinVar variation 1030066 (VCV001030066.1), dbSNP rs1673169930, ClinGen allele CA346688843.